The following is an entry in ClinVar:

ClinVar aggregate classification (germline): Benign/Likely benign. Review status: criteria provided, multiple submitters, no conflicts (2 of 4 stars). 5 submissions from 5 submitters: Benign (2); Likely benign (3). Last evaluated 2025-10-29.

Conditions:
AGXT2-related condition.

Allele frequency attached by ClinVar (database versions not stated): 1000 Genomes Project 0.00539; 1000 Genomes Project 30x 0.00562; ESP Exome Variant Server 0.00981; TOPMed 0.00986; ExAC 0.01073; gnomAD exomes 0.01236 and 0.01596; gnomAD 0.01240 and 0.01270.
gnomAD v4.1: 24,126 of 1,551,610 alleles (1.6%); highest among the groups gnomAD compares: Non-Finnish European, 1.7%; 261 homozygotes.

Submissions (25):

PreventionGenetics, part of Exact Sciences
Classification: Likely benign for AGXT2-related condition. Last evaluated: 2025-10-29. Review status: criteria provided, single submitter. Criteria: ACMG Guidelines, 2015. Collection method: clinical testing. Allele origin: germline.
Comment: This variant is classified as likely benign based on ACMG/AMP sequence variant interpretation guidelines (Richards et al. 2015 PMID: 25741868, with internal and published modifications).

CeGaT Center for Human Genetics Tuebingen
Classification: Benign. Last evaluated: 2024-11-01. Review status: criteria provided, single submitter. Criteria: CeGaT Center For Human Genetics Tuebingen Variant Classification Criteria Version 2. Collection method: clinical testing. Allele origin: germline. Affected: yes. Observed: 1 variant allele.
Comment: AGXT2: BS1, BS2

Eurofins Ntd Llc (ga)
Classification: Benign. Last evaluated: 2017-02-20. Review status: criteria provided, single submitter. Criteria: EGL Classification Definitions 2015. Collection method: clinical testing. Allele origin: germline. Observed: 2 variant alleles, 2 heterozygotes.

Laboratory for Molecular Medicine, Mass General Brigham Personalized Medicine
Classification: Likely benign. Last evaluated: 2016-03-29. Review status: criteria provided, single submitter. Criteria: LMM Criteria. Collection method: clinical testing. Allele origin: germline.
Comment: Variant identified in a genome or exome case(s) and assessed due to predicted null impact of the variant or pathogenic assertions in the literature or databases. Disclaimer: This variant has not undergone full assessment. The following are preliminary notes: Frequency in ESP (all): 112/11414=0.98%; Frequency in ESP (EUR): 105/7450=1.4%

Breakthrough Genomics
Classification: Likely benign. Review status: criteria provided, single submitter. Criteria: ACMG Guidelines, 2015. Collection method: not provided. Allele origin: germline. Inheritance: Autosomal recessive inheritance. Affected: yes.

Dr. Peter K. Rogan Lab, Western University
No classification provided (evidence only). Condition: Clear cell carcinoma of kidney. Review status: no classification provided. Collection method: in vitro. Allele origin: not applicable. Functional consequence: retained intron. Not counted in ClinVar's aggregate classification.

Dr. Peter K. Rogan Lab, Western University
No classification provided (evidence only). Condition: Clear cell carcinoma of kidney. Review status: no classification provided. Collection method: in vitro. Allele origin: not applicable. Functional consequence: skipped exon, retained intron. Not counted in ClinVar's aggregate classification.

Dr. Peter K. Rogan Lab, Western University
No classification provided (evidence only). Condition: Clear cell carcinoma of kidney. Review status: no classification provided. Collection method: in vitro. Allele origin: not applicable. Functional consequence: skipped exon, retained intron. Not counted in ClinVar's aggregate classification.

Dr. Peter K. Rogan Lab, Western University
No classification provided (evidence only). Condition: Clear cell carcinoma of kidney. Review status: no classification provided. Collection method: in vitro. Allele origin: not applicable. Functional consequence: skipped exon, retained intron. Not counted in ClinVar's aggregate classification.

Dr. Peter K. Rogan Lab, Western University
No classification provided (evidence only). Condition: Clear cell carcinoma of kidney. Review status: no classification provided. Collection method: in vitro. Allele origin: not applicable. Functional consequence: skipped exon, retained intron. Not counted in ClinVar's aggregate classification.

Dr. Peter K. Rogan Lab, Western University
No classification provided (evidence only). Condition: Clear cell carcinoma of kidney. Review status: no classification provided. Collection method: in vitro. Allele origin: not applicable. Functional consequence: skipped exon, retained intron. Not counted in ClinVar's aggregate classification.

Dr. Peter K. Rogan Lab, Western University
No classification provided (evidence only). Condition: Clear cell carcinoma of kidney. Review status: no classification provided. Collection method: in vitro. Allele origin: not applicable. Functional consequence: skipped exon, retained intron. Not counted in ClinVar's aggregate classification.

Dr. Peter K. Rogan Lab, Western University
No classification provided (evidence only). Condition: Hepatocellular carcinoma. Review status: no classification provided. Collection method: in vitro. Allele origin: not applicable. Functional consequence: skipped exon, retained intron. Not counted in ClinVar's aggregate classification.

Dr. Peter K. Rogan Lab, Western University
No classification provided (evidence only). Condition: Hepatocellular carcinoma. Review status: no classification provided. Collection method: in vitro. Allele origin: not applicable. Functional consequence: skipped exon, retained intron. Not counted in ClinVar's aggregate classification.

Dr. Peter K. Rogan Lab, Western University
No classification provided (evidence only). Condition: Hepatocellular carcinoma. Review status: no classification provided. Collection method: in vitro. Allele origin: not applicable. Functional consequence: retained intron. Not counted in ClinVar's aggregate classification.

Dr. Peter K. Rogan Lab, Western University
No classification provided (evidence only). Condition: Hepatocellular carcinoma. Review status: no classification provided. Collection method: in vitro. Allele origin: not applicable. Functional consequence: skipped exon, retained intron. Not counted in ClinVar's aggregate classification.

Dr. Peter K. Rogan Lab, Western University
No classification provided (evidence only). Condition: Hepatocellular carcinoma. Review status: no classification provided. Collection method: in vitro. Allele origin: not applicable. Functional consequence: skipped exon, retained intron. Not counted in ClinVar's aggregate classification.

Dr. Peter K. Rogan Lab, Western University
No classification provided (evidence only). Condition: Hepatocellular carcinoma. Review status: no classification provided. Collection method: in vitro. Allele origin: not applicable. Functional consequence: skipped exon, retained intron. Not counted in ClinVar's aggregate classification.

Dr. Peter K. Rogan Lab, Western University
No classification provided (evidence only). Condition: Hepatocellular carcinoma. Review status: no classification provided. Collection method: in vitro. Allele origin: not applicable. Functional consequence: skipped exon, retained intron. Not counted in ClinVar's aggregate classification.

Dr. Peter K. Rogan Lab, Western University
No classification provided (evidence only). Condition: Cholangiocarcinoma. Review status: no classification provided. Collection method: in vitro. Allele origin: not applicable. Functional consequence: retained intron. Not counted in ClinVar's aggregate classification.

Dr. Peter K. Rogan Lab, Western University
No classification provided (evidence only). Condition: Malignant tumor of esophagus. Review status: no classification provided. Collection method: in vitro. Allele origin: not applicable. Functional consequence: retained intron. Not counted in ClinVar's aggregate classification.

Dr. Peter K. Rogan Lab, Western University
No classification provided (evidence only). Condition: Nonpapillary renal cell carcinoma. Review status: no classification provided. Collection method: in vitro. Allele origin: not applicable. Functional consequence: retained intron. Not counted in ClinVar's aggregate classification.

Dr. Peter K. Rogan Lab, Western University
No classification provided (evidence only). Condition: Nonpapillary renal cell carcinoma. Review status: no classification provided. Collection method: in vitro. Allele origin: not applicable. Functional consequence: skipped exon, retained intron. Not counted in ClinVar's aggregate classification.

Dr. Peter K. Rogan Lab, Western University
No classification provided (evidence only). Condition: Nonpapillary renal cell carcinoma. Review status: no classification provided. Collection method: in vitro. Allele origin: not applicable. Functional consequence: retained intron. Not counted in ClinVar's aggregate classification.

Dr. Peter K. Rogan Lab, Western University
No classification provided (evidence only). Condition: Lymphoma. Review status: no classification provided. Collection method: in vitro. Allele origin: not applicable. Functional consequence: retained intron. Not counted in ClinVar's aggregate classification.

NM_031900.4(AGXT2):c.1188+1G>A

Gene: AGXT2 (alanine--glyoxylate aminotransferase 2; minus strand). Cytogenetic location: 5p13.2.
Variant type: single nucleotide variant.
Coding change: c.1188+1G>A on transcript NM_031900.4 (MANE Select); the canonical splice donor site of the intron after coding-DNA position 1188, G replaced by A.
Molecular consequence: splice donor variant. On other transcripts: intron variant (1).
Genome position (GRCh38, 1-based): chr5:35,012,953, C>T on the plus strand (G>A on the coding strand, the complement: AGXT2 is on the minus strand). VCF-style: chr5-35012953-C-T. GRCh37 (hg19) VCF-style: chr5-35013058-C-T.
Other names: c.964-2804G>A (NM_001306173.2).
Identifiers: ClinVar variation 402346 (VCV000402346.24), dbSNP rs114286107, ClinGen allele CA3229051.